The following is an entry in ClinVar:

NM_000875.5(IGF1R):c.1487C>T (p.Thr496Ile)

Gene: IGF1R (insulin like growth factor 1 receptor; plus strand). Cytogenetic location: 15q26.3.
Variant type: single nucleotide variant.
Coding change: c.1487C>T on transcript NM_000875.5 (MANE Select); coding-DNA position 1487, C replaced by T.
Protein change: p.Thr496Ile; replaces threonine 496 with isoleucine.
Molecular consequence: missense variant.
Genome position (GRCh38, 1-based): chr15:98,911,339, C>T. VCF-style: chr15-98911339-C-T. GRCh37 (hg19) VCF-style: chr15-99454568-C-T.
Other names: c.1487C>T, p.Thr496Ile (NM_001291858.2); short protein forms T496I.
Identifiers: ClinVar variation 2985268 (VCV002985268.3), dbSNP rs2151674203, ClinGen allele CA393677868.

ClinVar aggregate classification (germline): Uncertain significance (1 of 4 stars; one submission).

Submission:

Labcorp Genetics (formerly Invitae), Labcorp
Classification: Uncertain significance. Last evaluated: 2023-04-22. Review status: criteria provided, single submitter. Criteria: Invitae Variant Classification Sherloc (09022015). Collection method: clinical testing. Allele origin: germline.
Comment: In summary, the available evidence is currently insufficient to determine the role of this variant in disease. Therefore, it has been classified as a Variant of Uncertain Significance. This sequence change replaces threonine, which is neutral and polar, with isoleucine, which is neutral and non-polar, at codon 496 of the IGF1R protein (p.Thr496Ile). This variant is not present in population databases (gnomAD no frequency). This variant has not been reported in the literature in individuals affected with IGF1R-related conditions. Advanced modeling of protein sequence and biophysical properties (such as structural, functional, and spatial information, amino acid conservation, physicochemical variation, residue mobility, and thermodynamic stability) performed at Invitae indicates that this missense variant is not expected to disrupt IGF1R protein function.